The following is an entry in ClinVar:

NM_181552.4(CUX1):c.2240C>G (p.Ser747Cys)

Gene: CUX1 (cut like homeobox 1; plus strand). Cytogenetic location: 7q22.1.
Variant type: single nucleotide variant.
Coding change: c.2240C>G on transcript NM_181552.4 (MANE Select); coding-DNA position 2240, C replaced by G.
Protein change: p.Ser747Cys; replaces serine 747 with cysteine.
Molecular consequence: missense variant. On other transcripts: intron variant (5).
Genome position (GRCh38, 1-based): chr7:102,201,537, C>G. VCF-style: chr7-102201537-C-G. GRCh37 (hg19) VCF-style: chr7-101844817-C-G.
Other names: c.2273C>G, p.Ser758Cys (NM_001202543.2); c.1255+5934C>G (NM_001913.5); c.1249+5934C>G (NM_181500.4); c.1117+5934C>G (NM_001202545.3); c.1207+5934C>G (NM_001202544.3); c.1138+5934C>G (NM_001202546.3); short protein forms S747C, S758C.
Identifiers: ClinVar variation 3390669 (VCV003390669.1).

ClinVar aggregate classification (germline): Uncertain significance (1 of 4 stars; one submission).

Submission:

GeneDx
Classification: Uncertain significance. Last evaluated: 2024-05-30. Review status: criteria provided, single submitter. Criteria: GeneDx Variant Classification Process June 2021. Collection method: clinical testing. Allele origin: germline. Affected: yes.
Comment: Not observed at significant frequency in large population cohorts (gnomAD); In silico analysis indicates that this missense variant does not alter protein structure/function; Has not been previously published as pathogenic or benign to our knowledge